The following is an entry in ClinVar:

NM_001197104.2(KMT2A):c.4958C>T (p.Ala1653Val)

Gene: KMT2A (lysine methyltransferase 2A; plus strand). Cytogenetic location: 11q23.3.
Variant type: single nucleotide variant.
Coding change: c.4958C>T on transcript NM_001197104.2 (MANE Select); coding-DNA position 4958, C replaced by T.
Protein change: p.Ala1653Val; replaces alanine 1653 with valine.
Molecular consequence: missense variant.
Genome position (GRCh38, 1-based): chr11:118,491,882, C>T. VCF-style: chr11-118491882-C-T. GRCh37 (hg19) VCF-style: chr11-118362597-C-T.
Other names: c.5048C>T, p.Ala1683Val (NM_001412597.1); c.4949C>T, p.Ala1650Val (NM_005933.4); short protein forms A1650V, A1683V, A1653V.
Identifiers: ClinVar variation 1913041 (VCV001913041.5), dbSNP rs2134341404, ClinGen allele CA382836245.

ClinVar aggregate classification (germline): Uncertain significance (1 of 4 stars; one submission).

Allele frequency attached by ClinVar (database versions not stated): gnomAD 0.00001; 1000 Genomes Project 30x 0.00016.
gnomAD v4.1: 1 of 1,613,970 alleles (0.000062%); highest among the groups gnomAD compares: Non-Finnish European, 0.000085%; no homozygotes.

Submission:

Labcorp Genetics (formerly Invitae), Labcorp
Classification: Uncertain significance. Last evaluated: 2022-04-11. Review status: criteria provided, single submitter. Criteria: Invitae Variant Classification Sherloc (09022015). Collection method: clinical testing. Allele origin: germline.
Comment: In summary, the available evidence is currently insufficient to determine the role of this variant in disease. Therefore, it has been classified as a Variant of Uncertain Significance. Advanced modeling of protein sequence and biophysical properties (such as structural, functional, and spatial information, amino acid conservation, physicochemical variation, residue mobility, and thermodynamic stability) performed at Invitae indicates that this missense variant is expected to disrupt KMT2A protein function. This variant has not been reported in the literature in individuals affected with KMT2A-related conditions. This variant is not present in population databases (gnomAD no frequency). This sequence change replaces alanine, which is neutral and non-polar, with valine, which is neutral and non-polar, at codon 1653 of the KMT2A protein (p.Ala1653Val).